The following is an entry in ClinVar:

ClinVar aggregate classification (germline): Uncertain significance (1 of 4 stars; one submission).

Conditions:
Asphyxiating thoracic dystrophy 5 (SRTD5). Also called: SHORT-RIB THORACIC DYSPLASIA 5 WITHOUT POLYDACTYLY; SHORT-RIB THORACIC DYSPLASIA 5 WITH OR WITHOUT POLYDACTYLY. Identifiers: Orphanet 474, MedGen C3280598, MONDO:0013717, OMIM 614376.
Senior-Loken syndrome 8 (SLSN8). Identifiers: Orphanet 3156, MedGen C4225376, MONDO:0014579, OMIM 616307.

Allele frequency attached by ClinVar (database versions not stated): gnomAD exomes 0.00001.
gnomAD v4.1: 3 of 1,587,910 alleles (0.00019%); highest among the groups gnomAD compares: Admixed American, 0.0035%; no homozygotes.

Submission:

Labcorp Genetics (formerly Invitae), Labcorp
Classification: Uncertain significance for Senior-Loken syndrome 8; Asphyxiating thoracic dystrophy 5. Last evaluated: 2022-07-25. Review status: criteria provided, single submitter. Criteria: Invitae Variant Classification Sherloc (09022015). Collection method: clinical testing. Allele origin: germline.
Comment: This variant is not present in population databases (gnomAD no frequency). This sequence change replaces valine, which is neutral and non-polar, with isoleucine, which is neutral and non-polar, at codon 384 of the WDR19 protein (p.Val384Ile). This variant has not been reported in the literature in individuals affected with WDR19-related conditions. ClinVar contains an entry for this variant (Variation ID: 1473049). Algorithms developed to predict the effect of missense changes on protein structure and function output the following: SIFT: "Tolerated"; PolyPhen-2: "Benign"; Align-GVGD: "Class C0". The isoleucine amino acid residue is found in multiple mammalian species, which suggests that this missense change does not adversely affect protein function. In summary, the available evidence is currently insufficient to determine the role of this variant in disease. Therefore, it has been classified as a Variant of Uncertain Significance.

NM_025132.4(WDR19):c.1150G>A (p.Val384Ile)

Gene: WDR19 (WD repeat domain 19; plus strand). Cytogenetic location: 4p14.
Variant type: single nucleotide variant.
Coding change: c.1150G>A on transcript NM_025132.4 (MANE Select); coding-DNA position 1150, G replaced by A.
Protein change: p.Val384Ile; replaces valine 384 with isoleucine.
Molecular consequence: missense variant.
Genome position (GRCh38, 1-based): chr4:39,216,111, G>A. VCF-style: chr4-39216111-G-A. GRCh37 (hg19) VCF-style: chr4-39217731-G-A.
Other names: c.670G>A, p.Val224Ile (NM_001317924.2); short protein forms V224I, V384I.
Identifiers: ClinVar variation 1473049 (VCV001473049.6), dbSNP rs2109327092, ClinGen allele CA356630160.
Genomic context (GRCh38, chr4:39,216,111, plus strand): 5'-AAAATAAGTTTAGCCGTTGATTTATTACTATTTTCTTTATTATAGGAGCTACCAATCACA[G>A]TTTCTGTTGATGTGGAACCCAACTTTGTGGCAGTAGGTCTTTATCATCTGGCTGTAGGAA-3'
Protein context (NP_079408.3, residues 374-394): NPVEGELPIT[Val384Ile]SVDVEPNFVA